The following is an entry in ClinVar:

NM_000059.4(BRCA2):c.9445A>T (p.Ser3149Cys)

Gene: BRCA2 (BRCA2 DNA repair associated; plus strand). Cytogenetic location: 13q13.1.
Variant type: single nucleotide variant.
Coding change: c.9445A>T on transcript NM_000059.4 (MANE Select); coding-DNA position 9445, A replaced by T.
Protein change: p.Ser3149Cys; replaces serine 3149 with cysteine.
Molecular consequence: missense variant. On other transcripts: non-coding transcript variant (1).
Genome position (GRCh38, 1-based): chr13:32,394,877, A>T. VCF-style: chr13-32394877-A-T. GRCh37 (hg19) VCF-style: chr13-32969014-A-T.
Other names: c.9349A>T, p.Ser3117Cys (NM_001406719.1); c.9394A>T, p.Ser3132Cys (NM_001406720.1); c.4513A>T, p.Ser1505Cys (NM_001406721.1); c.3028A>T, p.Ser1010Cys (NM_001406722.1); c.9445A>T, p.Ser3149Cys (NM_001432077.1); short protein forms S3132C, S3149C, S1010C, S1505C, S3117C.
Identifiers: ClinVar variation 4215804 (VCV004215804.1).

ClinVar aggregate classification (germline): Uncertain significance (1 of 4 stars; one submission).

Conditions:
Hereditary cancer-predisposing syndrome. Also called: Hereditary Cancer Syndrome; Hereditary neoplastic syndrome; Neoplastic Syndromes, Hereditary; Tumor predisposition. Identifiers: Orphanet 140162, MedGen C0027672, MeSH D009386, MONDO:0015356.

Submission:

Ambry Genetics
Classification: Uncertain significance for Hereditary cancer-predisposing syndrome. Last evaluated: 2025-06-24. Review status: criteria provided, single submitter. Criteria: Ambry Variant Classification Scheme 2023. Collection method: clinical testing. Allele origin: germline.
Comment: The p.S3149C variant (also known as c.9445A>T), located in coding exon 24 of the BRCA2 gene, results from an A to T substitution at nucleotide position 9445. The serine at codon 3149 is replaced by cysteine, an amino acid with dissimilar properties. This amino acid position is conserved. In addition, the in silico prediction for this alteration is inconclusive. Based on the available evidence, the clinical significance of this variant remains unclear.